The following is an entry in ClinVar:

NM_004172.5(SLC1A3):c.140G>A (p.Arg47Gln)

Gene: SLC1A3 (solute carrier family 1 member 3; plus strand). Cytogenetic location: 5p13.2.
Variant type: single nucleotide variant.
Coding change: c.140G>A on transcript NM_004172.5 (MANE Select); coding-DNA position 140, G replaced by A.
Protein change: p.Arg47Gln; replaces arginine 47 with glutamine.
Molecular consequence: missense variant.
Genome position (GRCh38, 1-based): chr5:36,608,563, G>A. VCF-style: chr5-36608563-G-A. GRCh37 (hg19) VCF-style: chr5-36608665-G-A.
Other names: c.140G>A, p.Arg47Gln (NM_001166695.3, NM_001166696.3, NM_001289939.2 and 1 more transcripts); short protein forms R47Q.
Identifiers: ClinVar variation 3626280 (VCV003626280.2).

ClinVar aggregate classification (germline): Uncertain significance (1 of 4 stars; one submission).

gnomAD v4.1: 20 of 1,613,996 alleles (0.0012%); highest among the groups gnomAD compares: South Asian, 0.0077%; no homozygotes.

Submission:

Labcorp Genetics (formerly Invitae), Labcorp
Classification: Uncertain significance. Last evaluated: 2024-12-19. Review status: criteria provided, single submitter. Criteria: Invitae Variant Classification Sherloc (09022015). Collection method: clinical testing. Allele origin: germline.
Comment: This sequence change replaces arginine, which is basic and polar, with glutamine, which is neutral and polar, at codon 47 of the SLC1A3 protein (p.Arg47Gln). This variant is present in population databases (rs745816344, gnomAD 0.003%). This variant has not been reported in the literature in individuals affected with SLC1A3-related conditions. An algorithm developed to predict the effect of missense changes on protein structure and function (PolyPhen-2) suggests that this variant is likely to be disruptive. In summary, the available evidence is currently insufficient to determine the role of this variant in disease. Therefore, it has been classified as a Variant of Uncertain Significance.